The following is an entry in ClinVar:

ClinVar aggregate classification (germline): Uncertain significance (0 of 4 stars; one submission).

Conditions:
MSTO1-related disorder. Also called: MSTO1‑Related Disease.

Submission:

PreventionGenetics, part of Exact Sciences
Classification: Uncertain significance for MSTO1-related condition. Last evaluated: 2024-01-09. Review status: no assertion criteria provided. Collection method: clinical testing. Allele origin: germline.
Comment: The MSTO1 c.648T>G variant is predicted to result in the amino acid substitution p.His216Gln. To our knowledge, this variant has not been reported in the literature or in a large population database, indicating this variant is rare. At this time, the clinical significance of this variant is uncertain due to the absence of conclusive functional and genetic evidence.

NM_018116.4(MSTO1):c.648T>G (p.His216Gln)

Gene: MSTO1 (misato mitochondrial distribution and morphology regulator 1; plus strand). Cytogenetic location: 1q22.
Variant type: single nucleotide variant.
Coding change: c.648T>G on transcript NM_018116.4 (MANE Select); coding-DNA position 648, T replaced by G.
Protein change: p.His216Gln; replaces histidine 216 with glutamine.
Molecular consequence: missense variant. On other transcripts: non-coding transcript variant (6).
Genome position (GRCh38, 1-based): chr1:155,612,070, T>G. VCF-style: chr1-155612070-T-G. GRCh37 (hg19) VCF-style: chr1-155581861-T-G.
Other names: c.648T>G, p.His216Gln (NM_001256532.1, NM_001256533.1, NM_001350772.1 and 3 more transcripts); c.483T>G, p.His161Gln (NM_001350776.1); c.117T>G, p.His39Gln (NM_001350777.1, NM_001350778.1, NM_001350779.1); c.114T>G, p.His38Gln (NM_001350780.1, NM_001350781.1, NM_001350782.1 and 3 more transcripts); c.105T>G, p.His35Gln (NM_001350784.1, NM_001350785.1, NM_001350787.1 and 1 more transcripts); short protein forms H161Q, H216Q, H35Q, H38Q, H39Q.
Identifiers: ClinVar variation 3029796 (VCV003029796.2), dbSNP rs2525426008, ClinGen allele CA342757832.